The following is an entry in ClinVar:

NM_004568.6(SERPINB6):c.997G>A (p.Ala333Thr)

Gene: SERPINB6 (serpin family B member 6; minus strand). Cytogenetic location: 6p25.2.
Variant type: single nucleotide variant.
Coding change: c.997G>A on transcript NM_004568.6 (MANE Select); coding-DNA position 997, G replaced by A.
Protein change: p.Ala333Thr; replaces alanine 333 with threonine.
Molecular consequence: missense variant. On other transcripts: non-coding transcript variant (1).
Genome position (GRCh38, 1-based): chr6:2,948,432, C>T on the plus strand (G>A on the coding strand, the complement: SERPINB6 is on the minus strand). VCF-style: chr6-2948432-C-T. GRCh37 (hg19) VCF-style: chr6-2948666-C-T.
Other names: c.997G>A (NM_004568.5); c.1009G>A, p.Ala337Thr (NM_001195291.3, NM_001374515.1); c.1039G>A, p.Ala347Thr (NM_001271822.2); c.1054G>A, p.Ala352Thr (NM_001271823.2); c.997G>A, p.Ala333Thr (NM_001271824.2, NM_001271825.2, NM_001297699.2 and 2 more transcripts); c.865G>A, p.Ala289Thr (NM_001374517.1); short protein forms A289T, A347T, A352T, A337T, A333T.
Identifiers: ClinVar variation 1361284 (VCV001361284.7), dbSNP rs781438732, ClinGen allele CA3617376.

ClinVar aggregate classification (germline): Uncertain significance. Review status: criteria provided, multiple submitters, no conflicts (2 of 4 stars). 2 submissions from 2 submitters: Uncertain significance (2). Last evaluated 2025-10-29.

Allele frequency attached by ClinVar (database versions not stated): gnomAD 0.00001; ExAC 0.00002; TOPMed 0.00002.
gnomAD v4.1: 12 of 1,613,998 alleles (0.00074%); highest among the groups gnomAD compares: African/African-American, 0.0013%; no homozygotes.

Submissions (2):

Ambry Genetics
Classification: Uncertain significance. Last evaluated: 2025-10-29. Review status: criteria provided, single submitter. Criteria: Ambry Variant Classification Scheme 2023. Collection method: clinical testing. Allele origin: germline.

Labcorp Genetics (formerly Invitae), Labcorp
Classification: Uncertain significance. Last evaluated: 2025-09-02. Review status: criteria provided, single submitter. Criteria: Invitae Variant Classification Sherloc (09022015). Collection method: clinical testing. Allele origin: germline.
Comment: This sequence change replaces alanine, which is neutral and non-polar, with threonine, which is neutral and polar, at codon 333 of the SERPINB6 protein (p.Ala333Thr). The frequency data for this variant in the population databases is considered unreliable, as metrics indicate poor data quality at this position in the gnomAD database. This variant has not been reported in the literature in individuals affected with SERPINB6-related conditions. ClinVar contains an entry for this variant (Variation ID: 1361284). Invitae Evidence Modeling of protein sequence and biophysical properties (such as structural, functional, and spatial information, amino acid conservation, physicochemical variation, residue mobility, and thermodynamic stability) indicates that this missense variant is not expected to disrupt SERPINB6 protein function with a negative predictive value of 80%. In summary, the available evidence is currently insufficient to determine the role of this variant in disease. Therefore, it has been classified as a Variant of Uncertain Significance.